The following is an entry in ClinVar:

ClinVar aggregate classification (germline): Uncertain significance (1 of 4 stars; one submission).

Submission:

Labcorp Genetics (formerly Invitae), Labcorp
Classification: Uncertain significance. Last evaluated: 2019-10-30. Review status: criteria provided, single submitter. Criteria: Invitae Variant Classification Sherloc (09022015). Collection method: clinical testing. Allele origin: germline.
Comment: This variant is not present in population databases (ExAC no frequency). This sequence change replaces glutamic acid with valine at codon 186 of the NSD1 protein (p.Glu186Val). The glutamic acid residue is weakly conserved and there is a moderate physicochemical difference between glutamic acid and valine. This variant has not been reported in the literature in individuals with NSD1-related conditions. Algorithms developed to predict the effect of missense changes on protein structure and function are either unavailable or do not agree on the potential impact of this missense change (SIFT: "Deleterious"; PolyPhen-2: "Benign"; Align-GVGD: "Class C0"). Algorithms developed to predict the effect of sequence changes on RNA splicing suggest that this variant may create or strengthen a splice site, but this prediction has not been confirmed by published transcriptional studies. In summary, the available evidence is currently insufficient to determine the role of this variant in disease. Therefore, it has been classified as a Variant of Uncertain Significance.

NM_022455.5(NSD1):c.557A>T (p.Glu186Val)

Gene: NSD1 (nuclear receptor binding SET domain protein 1; plus strand). Cytogenetic location: 5q35.3.
Variant type: single nucleotide variant.
Coding change: c.557A>T on transcript NM_022455.5 (MANE Select); coding-DNA position 557, A replaced by T.
Protein change: p.Glu186Val; replaces glutamic acid 186 with valine.
Molecular consequence: missense variant. On other transcripts: intron variant (8).
Genome position (GRCh38, 1-based): chr5:177,135,660, A>T. VCF-style: chr5-177135660-A-T. GRCh37 (hg19) VCF-style: chr5-176562661-A-T.
Other names: c.557A>T, p.Glu186Val (NM_001409301.1, NM_001409302.1, NM_001409303.1); c.417+140A>T (NM_001409304.1); c.-36-281A>T (NM_001409305.1, NM_001409306.1, NM_001409308.1 and 4 more transcripts); short protein forms E186V.
Identifiers: ClinVar variation 966579 (VCV000966579.10), dbSNP rs1756255240, ClinGen allele CA362294293.
Genomic context (GRCh38, chr5:177,135,660, plus strand): 5'-CTGAAATGGACCCAGAACAGCCAGTCACAGAGGATGAGAGTATAGAGGAGATCTTTGAGG[A>T]AACTCAGACCAATGCCACCTGCAATTATGAGACTAAATCAGAGAATGGTGTAAAAGTGGC-3'
Protein context (NP_071900.2, residues 176-196): EDESIEEIFE[Glu186Val]TQTNATCNYE